The following is an entry in ClinVar:

NM_001048174.2(MUTYH):c.92A>T (p.Gln31Leu)

Gene: MUTYH (mutY DNA glycosylase; minus strand). Cytogenetic location: 1p34.1.
Variant type: single nucleotide variant.
Coding change: c.92A>T on transcript NM_001048174.2 (MANE Select); coding-DNA position 92, A replaced by T.
Protein change: p.Gln31Leu; replaces glutamine 31 with leucine.
Molecular consequence: missense variant. On other transcripts: 5 prime UTR variant (7), non-coding transcript variant (7).
Genome position (GRCh38, 1-based): chr1:45,334,414, T>A on the plus strand (A>T on the coding strand, the complement: MUTYH is on the minus strand). VCF-style: chr1-45334414-T-A. GRCh37 (hg19) VCF-style: chr1-45800086-T-A.
Other names: c.92A>T, p.Gln31Leu (NM_001048171.2, NM_001048172.2, NM_001048173.2 and 15 more transcripts); c.134A>T, p.Gln45Leu (NM_001128425.2, NM_001293190.2, NM_001407069.1 and 2 more transcripts); c.-121A>T (NM_001293192.2, NM_001293196.2, NM_001407091.1); c.-180A>T (NM_001350650.2); c.-116A>T (NM_001350651.2, NM_001407082.1); c.-65A>T (NM_001407075.1); c.110A>T, p.Gln37Leu (NM_001407087.1); short protein forms Q31L, Q37L, Q45L.
Identifiers: ClinVar variation 4113192 (VCV004113192.1).
Genomic context (GRCh38, chr1:45,334,414, plus strand): 5'-TGGCCAATGAGCCTTGGGCCACAACCTAGTTCCTTACCATCACAGGCAGAAGGCTTGGCC[T>A]GACTGTTGTTCTTAGCATGCTTCTGCCTCCCTTCCTGGCTGGCTGCCTGCTTCCTGTGAC-3'
Protein context (NP_001041639.1, residues 21-41): GRQKHAKNNS[Gln31Leu]AKPSACDGLA

ClinVar aggregate classification (germline): Uncertain significance (1 of 4 stars; one submission).

Conditions:
Hereditary cancer-predisposing syndrome. Also called: Tumor predisposition; Neoplastic Syndromes, Hereditary; Hereditary neoplastic syndrome; Hereditary Cancer Syndrome. Identifiers: Orphanet 140162, MedGen C0027672, MeSH D009386, MONDO:0015356.

Submission:

Ambry Genetics
Classification: Uncertain significance for Hereditary cancer-predisposing syndrome. Last evaluated: 2025-08-27. Review status: criteria provided, single submitter. Criteria: Ambry Variant Classification Scheme 2023. Collection method: clinical testing. Allele origin: germline.
Comment: The p.Q45L variant (also known as c.134A>T), located in coding exon 2 of the MUTYH gene, results from an A to T substitution at nucleotide position 134. The glutamine at codon 45 is replaced by leucine, an amino acid with dissimilar properties. This amino acid position is conserved. In addition, this alteration is predicted to be tolerated by in silico analysis. Based on the available evidence, the clinical significance of this variant remains unclear.